The following is an entry in ClinVar:

ClinVar aggregate classification (germline): Uncertain significance. Review status: criteria provided, multiple submitters, no conflicts (2 of 4 stars). 2 submissions from 2 submitters: Uncertain significance (2). Last evaluated 2024-09-01.

Conditions:
Inborn genetic diseases. Identifiers: MedGen C0950123, MeSH D030342.
Joubert syndrome 21 (JBTS21). Identifiers: MedGen C3810212, MONDO:0014288, OMIM 615636.

Allele frequency attached by ClinVar (database versions not stated): gnomAD 0.00002; gnomAD exomes 0.00002; TOPMed 0.00002; ExAC 0.00003; ESP Exome Variant Server 0.00017.
gnomAD v4.1: 23 of 1,612,128 alleles (0.0014%); highest among the groups gnomAD compares: South Asian, 0.0044%; no homozygotes.

Submissions (2):

Ambry Genetics
Classification: Uncertain significance for Inborn genetic diseases. Last evaluated: 2024-09-01. Review status: criteria provided, single submitter. Criteria: Ambry Variant Classification Scheme 2023. Collection method: clinical testing. Allele origin: germline.

Labcorp Genetics (formerly Invitae), Labcorp
Classification: Uncertain significance for Joubert syndrome 21. Last evaluated: 2024-01-02. Review status: criteria provided, single submitter. Criteria: Invitae Variant Classification Sherloc (09022015). Collection method: clinical testing. Allele origin: germline.
Comment: This sequence change replaces arginine, which is basic and polar, with tryptophan, which is neutral and slightly polar, at codon 767 of the CSPP1 protein (p.Arg767Trp). This variant is present in population databases (rs369228037, gnomAD 0.007%). This variant has not been reported in the literature in individuals affected with CSPP1-related conditions. ClinVar contains an entry for this variant (Variation ID: 1005930). An algorithm developed to predict the effect of missense changes on protein structure and function (PolyPhen-2) suggests that this variant is likely to be disruptive. In summary, the available evidence is currently insufficient to determine the role of this variant in disease. Therefore, it has been classified as a Variant of Uncertain Significance.

NM_001382391.1(CSPP1):c.2314C>T (p.Arg772Trp)

Gene: CSPP1 (centrosome and spindle pole associated protein 1; plus strand). Cytogenetic location: 8q13.2.
Variant type: single nucleotide variant.
Coding change: c.2314C>T on transcript NM_001382391.1 (MANE Select); coding-DNA position 2314, C replaced by T.
Protein change: p.Arg772Trp; replaces arginine 772 with tryptophan.
Molecular consequence: missense variant.
Genome position (GRCh38, 1-based): chr8:67,158,519, C>T. VCF-style: chr8-67158519-C-T. GRCh37 (hg19) VCF-style: chr8-68070754-C-T.
Other names: c.1264C>T, p.Arg422Trp (NM_001291339.2); c.2233C>T, p.Arg745Trp (NM_001363131.2); c.2119C>T, p.Arg707Trp (NM_001363132.2); c.2038C>T, p.Arg680Trp (NM_001363133.2); c.2380C>T, p.Arg794Trp (NM_001364869.1); c.2200C>T, p.Arg734Trp (NM_001364870.1); c.2299C>T, p.Arg767Trp (NM_024790.7); short protein forms R422W, R680W, R707W, R734W, R745W, R767W, R772W, R794W.
Identifiers: ClinVar variation 1005930 (VCV001005930.8), dbSNP rs369228037, ClinGen allele CA4770803.
Genomic context (GRCh38, chr8:67,158,519, plus strand): 5'-AAACAAAGAGAGGAAGCAGAGCGAGAGAGACTGAGAATTGCAGAAGAAAAAGAAGAAAGA[C>T]GGCTTGCAGAACAGAGGGCACGAATTCAGCAGGAGTATGAAGAGGAACAGGAAAAGAAAA-3'
Protein context (NP_001369320.1, residues 762-782): LRIAEEKEER[Arg772Trp]LAEQRARIQQ